The following is an entry in ClinVar:

NM_138420.4(AHNAK2):c.14018A>T (p.His4673Leu)

Gene: AHNAK2 (AHNAK nucleoprotein 2; minus strand). Cytogenetic location: 14q32.33.
Variant type: single nucleotide variant.
Coding change: c.14018A>T on transcript NM_138420.4 (MANE Select); coding-DNA position 14018, A replaced by T.
Protein change: p.His4673Leu; replaces histidine 4673 with leucine.
Molecular consequence: missense variant.
Genome position (GRCh38, 1-based): chr14:104,941,433, T>A on the plus strand (A>T on the coding strand, the complement: AHNAK2 is on the minus strand). VCF-style: chr14-104941433-T-A. GRCh37 (hg19) VCF-style: chr14-105407770-T-A.
Other names: NC_000014.8:g.105407770T>A; c.13718A>T, p.His4573Leu (NM_001350929.2); short protein forms H4673L, H4573L.
Identifiers: ClinVar variation 2370089 (VCV002370089.28), dbSNP rs201648026, ClinGen allele CA7377719.
Genomic context (GRCh38, chr14:104,941,433, plus strand): 5'-ACTTCTCCAACAGCAAGCCCCAAGTTACCATCGCGAGATGGATCATGAAGATCACCTTCA[T>A]GAACAACAGATTCCACAATGGGAAATGTGGAAGTCTTCTCATGGAATGTAACATTTCCTT-3'
Protein context (NP_612429.2, residues 4663-4683): STFPIVESVV[His4673Leu]EGDLHDPSRD

ClinVar aggregate classification (germline): Conflicting classifications of pathogenicity. Review status: criteria provided, conflicting classifications (1 of 4 stars). 2 submissions from 2 submitters: Uncertain significance (1); Benign (1). Last evaluated 2024-11-08.

Allele frequency attached by ClinVar (database versions not stated): 1000 Genomes Project 30x 0.00047; 1000 Genomes Project 0.00060; ESP Exome Variant Server 0.00166.
gnomAD v4.1: 2,383 of 1,612,908 alleles (0.15%); highest among the groups gnomAD compares: Non-Finnish European, 0.19%; 2 homozygotes.

Submissions (3):

Ambry Genetics
Classification: Uncertain significance. Last evaluated: 2024-11-08. Review status: criteria provided, single submitter. Criteria: Ambry Variant Classification Scheme 2023. Collection method: clinical testing. Allele origin: germline.

CeGaT Center for Human Genetics Tuebingen
Classification: Benign. Last evaluated: 2023-05-01. Review status: criteria provided, single submitter. Criteria: CeGaT Center For Human Genetics Tuebingen Variant Classification Criteria Version 2. Collection method: clinical testing. Allele origin: germline. Affected: yes. Observed: 1 variant allele.
Comment: AHNAK2: BS1, BS2

Dr. Peter K. Rogan Lab, Western University
No classification provided (evidence only). Condition: Cervical cancer. Review status: no classification provided. Collection method: in vitro. Allele origin: not applicable. Functional consequence: retained intron. Not counted in ClinVar's aggregate classification.